The following is an entry in ClinVar:

NM_019851.3(FGF20):c.148G>A (p.Gly50Ser)

Genes: FGF20 (fibroblast growth factor 20; minus strand), LOC129999926 (ATAC-STARR-seq lymphoblastoid silent region 18958; plus strand). Cytogenetic location: 8p22.
Variant type: single nucleotide variant.
Coding change: c.148G>A on transcript NM_019851.3 (MANE Select); coding-DNA position 148, G replaced by A.
Protein change: p.Gly50Ser; replaces glycine 50 with serine.
Molecular consequence: missense variant.
Genome position (GRCh38, 1-based): chr8:17,001,885, C>T on the plus strand (G>A on the coding strand, the complement: FGF20 is on the minus strand). VCF-style: chr8-17001885-C-T. GRCh37 (hg19) VCF-style: chr8-16859394-C-T.
Other names: c.148G>A (NM_019851.2); short protein forms G50S.
Identifiers: ClinVar variation 3713151 (VCV003713151.3).

ClinVar aggregate classification (germline): Uncertain significance. Review status: criteria provided, multiple submitters, no conflicts (2 of 4 stars). 2 submissions from 2 submitters: Uncertain significance (2). Last evaluated 2025-08-07.

gnomAD v4.1: 82 of 1,437,008 alleles (0.0057%); highest among the groups gnomAD compares: Non-Finnish European, 0.0073%; no homozygotes.

Submissions (2):

Ambry Genetics
Classification: Uncertain significance. Last evaluated: 2025-08-07. Review status: criteria provided, single submitter. Criteria: Ambry Variant Classification Scheme 2023. Collection method: clinical testing. Allele origin: germline.

Labcorp Genetics (formerly Invitae), Labcorp
Classification: Uncertain significance. Last evaluated: 2025-06-12. Review status: criteria provided, single submitter. Criteria: Invitae Variant Classification Sherloc (09022015). Collection method: clinical testing. Allele origin: germline.
Comment: This sequence change replaces glycine, which is neutral and non-polar, with serine, which is neutral and polar, at codon 50 of the FGF20 protein (p.Gly50Ser). This variant is not present in population databases (gnomAD no frequency). This variant has not been reported in the literature in individuals affected with FGF20-related conditions. ClinVar contains an entry for this variant (Variation ID: 3713151). An algorithm developed to predict the effect of missense changes on protein structure and function (PolyPhen-2) suggests that this variant is likely to be tolerated. In summary, the available evidence is currently insufficient to determine the role of this variant in disease. Therefore, it has been classified as a Variant of Uncertain Significance.